The following is an entry in ClinVar:

NM_017636.4(TRPM4):c.796+30_796+43del

Gene: TRPM4 (transient receptor potential cation channel subfamily M member 4; plus strand). Cytogenetic location: 19q13.33.
Variant type: Deletion.
Coding change: c.796+30_796+43del on transcript NM_017636.4 (MANE Select); bases 30 to 43 of the intron after coding-DNA position 796, 14 bases deleted (CACGACCCACAACC).
Molecular consequence: intron variant.
Genome position (GRCh38, 1-based): chr19:49,168,766-49,168,779, CACGACCCACAACC deleted; deleting any 14 consecutive bases within chr19:49,168,755-49,168,779 gives the same sequence; the c. name uses the placement nearest the transcript's 3' end. VCF-style (leftmost placement, unchanged base first): chr19-49168754-TGACCCACAACCCAC-T. GRCh37 (hg19) VCF-style: chr19-49672011-TGACCCACAACCCAC-T.
Other names: c.796+30_796+43del (NM_001195227.2); c.-758+30_-758+43del (NM_001321282.2); c.451+30_451+43del (NM_001321281.2); c.274+30_274+43del (NM_001321283.2); c.-54+30_-54+43del (NM_001321285.2).
Identifiers: ClinVar variation 2734113 (VCV002734113.3), dbSNP rs749421618, ClinGen allele CA9568952.

ClinVar aggregate classification (germline): Uncertain significance (1 of 4 stars; one submission).

Conditions:
Progressive familial heart block type IB (PFHB1B). Identifiers: Orphanet 871, MedGen C1970298, MONDO:0011474, OMIM 604559.

Submission:

Labcorp Genetics (formerly Invitae), Labcorp
Classification: Uncertain significance for Progressive familial heart block type IB. Last evaluated: 2025-11-27. Review status: criteria provided, single submitter. Criteria: Invitae Variant Classification Sherloc (09022015). Collection method: clinical testing. Allele origin: germline.
Comment: This sequence change falls in intron 6 of the TRPM4 gene. It does not directly change the encoded amino acid sequence of the TRPM4 protein. This variant is present in population databases (rs749421618, gnomAD 0.007%). This variant has not been reported in the literature in individuals affected with TRPM4-related conditions. ClinVar contains an entry for this variant (Variation ID: 2734113). Experimental studies and prediction algorithms are not available or were not evaluated, and the effect of this variant on mRNA splicing is currently unknown. In summary, the available evidence is currently insufficient to determine the role of this variant in disease. Therefore, it has been classified as a Variant of Uncertain Significance.